The following is an entry in ClinVar:

NM_005477.3(HCN4):c.571G>C (p.Glu191Gln)

Gene: HCN4 (hyperpolarization activated cyclic nucleotide gated potassium channel 4; minus strand). Cytogenetic location: 15q24.1.
Variant type: single nucleotide variant.
Coding change: c.571G>C on transcript NM_005477.3 (MANE Select); coding-DNA position 571, G replaced by C.
Protein change: p.Glu191Gln; replaces glutamic acid 191 with glutamine.
Molecular consequence: missense variant.
Genome position (GRCh38, 1-based): chr15:73,367,700, C>G on the plus strand (G>C on the coding strand, the complement: HCN4 is on the minus strand). VCF-style: chr15-73367700-C-G. GRCh37 (hg19) VCF-style: chr15-73660041-C-G.
Other names: short protein forms E191Q.
Identifiers: ClinVar variation 1396632 (VCV001396632.6), dbSNP rs2151228445, ClinGen allele CA393097602.

ClinVar aggregate classification (germline): Uncertain significance (1 of 4 stars; one submission).

Conditions:
Brugada syndrome 8 (BRGDA8). Identifiers: Orphanet 130, MedGen C2751083, MONDO:0013148, OMIM 613123.

Submission:

Labcorp Genetics (formerly Invitae), Labcorp
Classification: Uncertain significance for Brugada syndrome 8. Last evaluated: 2023-03-19. Review status: criteria provided, single submitter. Criteria: Invitae Variant Classification Sherloc (09022015). Collection method: clinical testing. Allele origin: germline.
Comment: This variant is not present in population databases (gnomAD no frequency). This sequence change replaces glutamic acid, which is acidic and polar, with glutamine, which is neutral and polar, at codon 191 of the HCN4 protein (p.Glu191Gln). This variant has not been reported in the literature in individuals affected with HCN4-related conditions. In summary, the available evidence is currently insufficient to determine the role of this variant in disease. Therefore, it has been classified as a Variant of Uncertain Significance. Advanced modeling of protein sequence and biophysical properties (such as structural, functional, and spatial information, amino acid conservation, physicochemical variation, residue mobility, and thermodynamic stability) performed at Invitae indicates that this missense variant is not expected to disrupt HCN4 protein function. ClinVar contains an entry for this variant (Variation ID: 1396632).